The following is an entry in ClinVar:

NM_005732.4(RAD50):c.3392C>A (p.Ala1131Glu)

Genes: TH2-LCR (Th2 cytokine locus control region; plus strand), TH2LCRR (T helper type 2 locus control region associated RNA; minus strand), RAD50 (RAD50 double strand break repair protein; plus strand). Cytogenetic location: 5q31.1.
Variant type: single nucleotide variant.
Coding change: c.3392C>A on transcript NM_005732.4 (MANE Select); coding-DNA position 3392, C replaced by A.
Protein change: p.Ala1131Glu; replaces alanine 1131 with glutamic acid.
Molecular consequence: missense variant.
Genome position (GRCh38, 1-based): chr5:132,637,117, C>A. VCF-style: chr5-132637117-C-A. GRCh37 (hg19) VCF-style: chr5-131972809-C-A.
Other names: short protein forms A1131E.
Identifiers: ClinVar variation 1044159 (VCV001044159.11), dbSNP rs1751595703, ClinGen allele CA360929662.
Genomic context (GRCh38, chr5:132,637,117, plus strand): 5'-TACTATTACACATAATTATTTTTTATATATATGAAGTACCAATGACTTCCTTTTCCAGAG[C>A]AATAATGAAATTTCACAGTATGAAAATGGAAGAAATCAATAAAATTATACGTGACCTGTG-3'
Protein context (NP_005723.2, residues 1121-1141): LDIYYKTLDQ[Ala1131Glu]IMKFHSMKME

ClinVar aggregate classification (germline): Uncertain significance. Review status: criteria provided, multiple submitters, no conflicts (2 of 4 stars). 2 submissions from 2 submitters: Uncertain significance (2). Last evaluated 2022-07-13.

Conditions:
Hereditary cancer-predisposing syndrome. Also called: Hereditary Cancer Syndrome; Tumor predisposition; Hereditary neoplastic syndrome; Neoplastic Syndromes, Hereditary. Identifiers: Orphanet 140162, MedGen C0027672, MeSH D009386, MONDO:0015356.

Submissions (2):

Ambry Genetics
Classification: Uncertain significance for Hereditary cancer-predisposing syndrome. Last evaluated: 2022-07-13. Review status: criteria provided, single submitter. Criteria: Ambry Variant Classification Scheme 2023. Collection method: clinical testing. Allele origin: germline.
Comment: The p.A1131E variant (also known as c.3392C>A), located in coding exon 22 of the RAD50 gene, results from a C to A substitution at nucleotide position 3392. The alanine at codon 1131 is replaced by glutamic acid, an amino acid with dissimilar properties. This amino acid position is conserved. In addition, the in silico prediction for this alteration is inconclusive. Since supporting evidence is limited at this time, the clinical significance of this alteration remains unclear.

Labcorp Genetics (formerly Invitae), Labcorp
Classification: Uncertain significance for Hereditary cancer-predisposing syndrome. Last evaluated: 2020-08-10. Review status: criteria provided, single submitter. Criteria: Invitae Variant Classification Sherloc (09022015). Collection method: clinical testing. Allele origin: germline.
Comment: In summary, the available evidence is currently insufficient to determine the role of this variant in disease. Therefore, it has been classified as a Variant of Uncertain Significance. Algorithms developed to predict the effect of missense changes on protein structure and function are either unavailable or do not agree on the potential impact of this missense change (SIFT: "Deleterious"; PolyPhen-2: "Probably Damaging"; Align-GVGD: "Class C0"). This variant has not been reported in the literature in individuals with RAD50-related conditions. This variant is not present in population databases (ExAC no frequency). This sequence change replaces alanine with glutamic acid at codon 1131 of the RAD50 protein (p.Ala1131Glu). The alanine residue is moderately conserved and there is a moderate physicochemical difference between alanine and glutamic acid.